The following is an entry in ClinVar:

ClinVar aggregate classification (germline): Uncertain significance (1 of 4 stars; one submission).

Allele frequency attached by ClinVar (database versions not stated): gnomAD exomes below 0.00001; ExAC 0.00001.

Submission:

ARUP Laboratories, Molecular Genetics and Genomics, ARUP Laboratories
Classification: Uncertain significance. Last evaluated: 2020-08-26. Review status: criteria provided, single submitter. Criteria: ARUP Molecular Germline Variant Investigation Process. Collection method: clinical testing. Allele origin: germline.
Comment: The NEFL c.781A>G; p.Ile261Val variant (rs746088359), to our knowledge, is not reported in the medical literature or gene specific databases. This variant is only observed on one allele in the Genome Aggregation Database, indicating it is not a common polymorphism. The isoleucine at codon 261 is highly conserved, and computational analyses (SIFT, PolyPhen-2) predict that this variant is deleterious. Due to limited information, the clinical significance of the p.Ile261Val variant is uncertain at this time. Gene statement: Pathogenic variants in NEFL are associated with autosomal dominant intermediate Charcot-Marie-Tooth disease G (MIM: 617882), Charcot-Marie-Tooth disease type 2E (MIM: 607684), and autosomal dominant or recessive Charcot-Marie-Tooth disease type 1F (MIM: 607734).

NM_006158.5(NEFL):c.781A>G (p.Ile261Val)

Gene: NEFL (neurofilament light chain; minus strand). Cytogenetic location: 8p21.2.
Variant type: single nucleotide variant.
Coding change: c.781A>G on transcript NM_006158.5 (MANE Select); coding-DNA position 781, A replaced by G.
Protein change: p.Ile261Val; replaces isoleucine 261 with valine.
Molecular consequence: missense variant.
Genome position (GRCh38, 1-based): chr8:24,955,735, T>C on the plus strand (A>G on the coding strand, the complement: NEFL is on the minus strand). VCF-style: chr8-24955735-T-C. GRCh37 (hg19) VCF-style: chr8-24813249-T-C.
Other names: short protein forms I261V.
Identifiers: ClinVar variation 993601 (VCV000993601.8), dbSNP rs746088359, ClinGen allele CA4681439.